The following is an entry in ClinVar:

ClinVar aggregate classification (germline): Uncertain significance. Review status: criteria provided, multiple submitters, no conflicts (2 of 4 stars). 2 submissions from 2 submitters: Uncertain significance (2). Last evaluated 2024-05-31.

Conditions:
Holoprosencephaly 5 (HPE5). Identifiers: Orphanet 2162, MedGen C1864827, MONDO:0012322, OMIM 609637.
Inborn genetic diseases. Identifiers: MedGen C0950123, MeSH D030342.

Allele frequency attached by ClinVar (database versions not stated): gnomAD exomes below 0.00001.

Submissions (2):

Ambry Genetics
Classification: Uncertain significance for Inborn genetic diseases. Last evaluated: 2024-05-31. Review status: criteria provided, single submitter. Criteria: Ambry Variant Classification Scheme 2023. Collection method: clinical testing. Allele origin: germline.

Labcorp Genetics (formerly Invitae), Labcorp
Classification: Uncertain significance for Holoprosencephaly 5. Last evaluated: 2024-04-27. Review status: criteria provided, single submitter. Criteria: Invitae Variant Classification Sherloc (09022015). Collection method: clinical testing. Allele origin: germline.
Comment: This sequence change replaces glycine, which is neutral and non-polar, with arginine, which is basic and polar, at codon 478 of the ZIC2 protein (p.Gly478Arg). The frequency data for this variant in the population databases is considered unreliable, as metrics indicate insufficient coverage at this position in the gnomAD database. This variant has not been reported in the literature in individuals affected with ZIC2-related conditions. Experimental studies and prediction algorithms are not available or were not evaluated, and the functional significance of this variant is currently unknown. In summary, the available evidence is currently insufficient to determine the role of this variant in disease. Therefore, it has been classified as a Variant of Uncertain Significance.

NM_007129.5(ZIC2):c.1432G>A (p.Gly478Arg)

Gene: ZIC2 (Zic family zinc finger 2; plus strand). Cytogenetic location: 13q32.3.
Variant type: single nucleotide variant.
Coding change: c.1432G>A on transcript NM_007129.5 (MANE Select); coding-DNA position 1432, G replaced by A.
Protein change: p.Gly478Arg; replaces glycine 478 with arginine.
Molecular consequence: missense variant.
Genome position (GRCh38, 1-based): chr13:99,985,515, G>A. VCF-style: chr13-99985515-G-A. GRCh37 (hg19) VCF-style: chr13-100637769-G-A.
Other names: c.1432G>A (NM_007129.3); short protein forms G478R.
Identifiers: ClinVar variation 3019576 (VCV003019576.4), dbSNP rs1052626962, ClinGen allele CA255397245.
Genomic context (GRCh38, chr13:99,985,515, plus strand): 5'-GCGGCAGCGGCGGCGGCGGCTGCGGCGGCGGCGGCCGCGGTGTCCGCGGTGCACCGGGGC[G>A]GAGGCTCGGGCAGTGGCGGCGCGGGAGGCGGCTCAGGCGGCGGCAGCGGCAGTGGCGGGG-3'
Protein context (NP_009060.2, residues 468-488): AAAVSAVHRG[Gly478Arg]GSGSGGAGGG